The following is an entry in ClinVar:

NM_013275.6(ANKRD11):c.5931G>A (p.Ser1977=)

Gene: ANKRD11 (ankyrin repeat domain 11; minus strand). Cytogenetic location: 16q24.3.
Variant type: single nucleotide variant.
Coding change: c.5931G>A on transcript NM_013275.6 (MANE Select); coding-DNA position 5931, G replaced by A.
Protein change: p.Ser1977=; no amino-acid change (serine 1977 retained).
Molecular consequence: synonymous variant.
Genome position (GRCh38, 1-based): chr16:89,280,611, C>T on the plus strand (G>A on the coding strand, the complement: ANKRD11 is on the minus strand). VCF-style: chr16-89280611-C-T. GRCh37 (hg19) VCF-style: chr16-89347019-C-T.
Other names: c.5931G>A, p.Ser1977= (NM_001256182.2, NM_001256183.2).
Identifiers: ClinVar variation 4534187 (VCV004534187.6).
Genomic context (GRCh38, chr16:89,280,611, plus strand): 5'-CGCGGGGCAGAAACGCTTTGGGGACTCGGGGAATCTCTGTGGAGACTTCAGCAGGAGGTC[C>T]GAGCCCACAGGCCAGCTCACAGGGTTTTCAGAGGTGCCCCCGATCAGGCTAGAGGCAAGC-3'
Protein context (NP_037407.4, residues 1967-1987): SENPVSWPVG[Ser1977=]DLLLKSPQRF

ClinVar aggregate classification (germline): Likely benign (1 of 4 stars; one submission).

gnomAD v4.1: 27 of 1,613,324 alleles (0.0017%); highest among the groups gnomAD compares: Non-Finnish European, 0.0021%; no homozygotes.

Submission:

CeGaT Center for Human Genetics Tuebingen
Classification: Likely benign. Last evaluated: 2025-10-01. Review status: criteria provided, single submitter. Criteria: CeGaT Center For Human Genetics Tuebingen Variant Classification Criteria Version 2. Collection method: clinical testing. Allele origin: germline. Affected: yes. Observed: 1 variant allele.
Comment: ANKRD11: BP4, BP7